The following is an entry in ClinVar:

NM_004937.3(CTNS):c.878G>A (p.Ser293Asn)

Gene: CTNS (cystinosin, lysosomal cystine transporter; plus strand). Cytogenetic location: 17p13.2.
Variant type: single nucleotide variant.
Coding change: c.878G>A on transcript NM_004937.3 (MANE Select); coding-DNA position 878, G replaced by A.
Protein change: p.Ser293Asn; replaces serine 293 with asparagine.
Molecular consequence: missense variant.
Genome position (GRCh38, 1-based): chr17:3,659,883, G>A. VCF-style: chr17-3659883-G-A. GRCh37 (hg19) VCF-style: chr17-3563177-G-A.
Other names: c.878G>A, p.Ser293Asn (NM_001031681.3, NM_001374492.1); c.437G>A, p.Ser146Asn (NM_001374493.1, NM_001374494.1, NM_001374495.1 and 1 more transcripts); c.878G>A (NM_004937.2); short protein forms S146N, S293N.
Identifiers: ClinVar variation 2149855 (VCV002149855.2), dbSNP rs1375738304, ClinGen allele CA397693009.
Genomic context (GRCh38, chr17:3,659,883, plus strand): 5'-CGCCCTCCGTCTGTCTGTCCGTCTGTCTGGCCCAGGCCTACATGAACTTTTACTACAAAA[G>A]CACTGAGGGCTGGAGCATTGGCAACGTGCTCCTGGACTTCACCGGGGGCAGCTTCAGCCT-3'
Protein context (NP_004928.2, residues 283-303): PQAYMNFYYK[Ser293Asn]TEGWSIGNVL

ClinVar aggregate classification (germline): Uncertain significance. Review status: criteria provided, multiple submitters, no conflicts (2 of 4 stars). 2 submissions from 2 submitters: Uncertain significance (2). Last evaluated 2025-08-05.

Conditions:
Inborn genetic diseases. Identifiers: MedGen C0950123, MeSH D030342.
Ocular cystinosis. Also called: Non-Nephropathic Cystinosis; Non-Nephropathic (Ocular) Cystinosis. Identifiers: Orphanet 213, Orphanet 411641, MedGen C2931013, MONDO:0009064, OMIM 219750.
Juvenile nephropathic cystinosis. Also called: Intermediate Cystinosis; CYSTINOSIS, LATE-ONSET JUVENILE OR ADOLESCENT NEPHROPATHIC TYPE; Later-Onset (Juvenile) Cystinosis. Identifiers: Orphanet 213, Orphanet 411634, MedGen C0268626, MONDO:0009066, OMIM 219900.

Allele frequency attached by ClinVar (database versions not stated): gnomAD exomes below 0.00001; gnomAD 0.00001; TOPMed 0.00002.
gnomAD v4.1: 2 of 1,613,842 alleles (0.00012%); highest among the groups gnomAD compares: Admixed American, 0.0033%; no homozygotes.

Submissions (2):

Ambry Genetics
Classification: Uncertain significance for Inborn genetic diseases. Last evaluated: 2025-08-05. Review status: criteria provided, single submitter. Criteria: Ambry Variant Classification Scheme 2023. Collection method: clinical testing. Allele origin: germline.

Labcorp Genetics (formerly Invitae), Labcorp
Classification: Uncertain significance for Inborn genetic diseases; Ocular cystinosis; Juvenile nephropathic cystinosis. Last evaluated: 2022-10-03. Review status: criteria provided, single submitter. Criteria: Invitae Variant Classification Sherloc (09022015). Collection method: clinical testing. Allele origin: germline.
Comment: This sequence change replaces serine, which is neutral and polar, with asparagine, which is neutral and polar, at codon 293 of the CTNS protein (p.Ser293Asn). This variant is not present in population databases (gnomAD no frequency). This variant has not been reported in the literature in individuals affected with CTNS-related conditions. Algorithms developed to predict the effect of missense changes on protein structure and function (SIFT, PolyPhen-2, Align-GVGD) all suggest that this variant is likely to be disruptive. In summary, the available evidence is currently insufficient to determine the role of this variant in disease. Therefore, it has been classified as a Variant of Uncertain Significance.